The following is an entry in ClinVar:

NM_007194.4(CHEK2):c.924G>C (p.Glu308Asp)

Gene: CHEK2 (checkpoint kinase 2; minus strand). Cytogenetic location: 22q12.1.
Variant type: single nucleotide variant.
Coding change: c.924G>C on transcript NM_007194.4 (MANE Select); coding-DNA position 924, G replaced by C.
Protein change: p.Glu308Asp; replaces glutamic acid 308 with aspartic acid.
Molecular consequence: missense variant.
Genome position (GRCh38, 1-based): chr22:28,699,922, C>G on the plus strand (G>C on the coding strand, the complement: CHEK2 is on the minus strand). VCF-style: chr22-28699922-C-G. GRCh37 (hg19) VCF-style: chr22-29095910-C-G.
Other names: c.1053G>C, p.Glu351Asp (NM_001005735.3); c.261G>C, p.Glu87Asp (NM_001257387.3); c.723G>C, p.Glu241Asp (NM_001349956.3); c.924G>C, p.Glu308Asp (NM_145862.3); short protein forms E308D, E241D, E351D, E87D.
Identifiers: ClinVar variation 1766325 (VCV001766325.2), dbSNP rs1601739269, ClinGen allele CA411100091.
Genomic context (GRCh38, chr22:28,699,922, plus strand): 5'-AAAATAGAGCTTGCAGGTAGCTTCTTTCAGGCGTTTATTCCCCACCACTTTGTCAAACAG[C>G]TCTCCCCCTTCCATCCTGAAACACAAAGGCAAGGCAAGGGGTTCATTCCTGGGGGAAAAC-3'
Protein context (NP_009125.1, residues 298-318): YIVLELMEGG[Glu308Asp]LFDKVVGNKR

ClinVar aggregate classification (germline): Uncertain significance (1 of 4 stars; one submission).

Conditions:
Hereditary cancer-predisposing syndrome. Also called: Hereditary Cancer Syndrome; Hereditary neoplastic syndrome; Neoplastic Syndromes, Hereditary; Tumor predisposition. Identifiers: Orphanet 140162, MedGen C0027672, MeSH D009386, MONDO:0015356.

Submission:

Ambry Genetics
Classification: Uncertain significance for Hereditary cancer-predisposing syndrome. Last evaluated: 2022-08-24. Review status: criteria provided, single submitter. Criteria: Ambry Variant Classification Scheme 2023. Collection method: clinical testing. Allele origin: germline.
Comment: The p.E308D variant (also known as c.924G>C), located in coding exon 8 of the CHEK2 gene, results from a G to C substitution at nucleotide position 924. The glutamic acid at codon 308 is replaced by aspartic acid, an amino acid with highly similar properties. This amino acid position is conserved. In addition, the in silico prediction for this alteration is inconclusive. Since supporting evidence is limited at this time, the clinical significance of this alteration remains unclear.